The following is an entry in ClinVar:

NM_001365088.1(SLC12A6):c.1843G>C (p.Ala615Pro)

Gene: SLC12A6 (solute carrier family 12 member 6; minus strand). Cytogenetic location: 15q14.
Variant type: single nucleotide variant.
Coding change: c.1843G>C on transcript NM_001365088.1 (MANE Select); coding-DNA position 1843, G replaced by C.
Protein change: p.Ala615Pro; replaces alanine 615 with proline.
Molecular consequence: missense variant.
Genome position (GRCh38, 1-based): chr15:34,245,385, C>G on the plus strand (G>C on the coding strand, the complement: SLC12A6 is on the minus strand). VCF-style: chr15-34245385-C-G. GRCh37 (hg19) VCF-style: chr15-34537586-C-G.
Other names: c.1666G>C, p.Ala556Pro (NM_001042494.2, NM_001042495.2); c.1816G>C, p.Ala606Pro (NM_001042496.2); c.1798G>C, p.Ala600Pro (NM_001042497.2); c.1690G>C, p.Ala564Pro (NM_005135.2); c.1843G>C, p.Ala615Pro (NM_133647.2); short protein forms A556P, A564P, A600P, A606P, A615P.
Identifiers: ClinVar variation 2627602 (VCV002627602.2), dbSNP rs2509780518, ClinGen allele CA391620904.

ClinVar aggregate classification (germline): Uncertain significance (1 of 4 stars; one submission).

Conditions:
Charcot-Marie-Tooth disease, axonal, IIa 2II. Also called: CHARCOT-MARIE-TOOTH NEUROPATHY, TYPE 2II; Charcot-Marie-Tooth disease, axonal, type 2II; Charcot-marie-tooth disease, axonal,IIa 2II. Identifiers: MedGen C5774227, MONDO:0031068, OMIM 620068.

Submission:

Institute of Human Genetics, University of Leipzig Medical Center
Classification: Uncertain significance for Charcot-Marie-Tooth disease, axonal, IIa 2II. Last evaluated: 2023-10-27. Review status: criteria provided, single submitter. Criteria: ACMG Guidelines, 2015. Collection method: clinical testing. Allele origin: unknown. Inheritance: Autosomal dominant inheritance. Affected: yes.
Comment: Criteria applied: PM2_SUP,PP3